The following is an entry in ClinVar:

ClinVar aggregate classification (germline): Likely benign. Review status: criteria provided, multiple submitters, no conflicts (2 of 4 stars). 2 submissions from 2 submitters: Likely benign (2). Last evaluated 2024-02-27.

Conditions:
Familial adenomatous polyposis 1 (FAP1). Also called: POLYPOSIS, ADENOMATOUS INTESTINAL; FAMILIAL ADENOMATOUS POLYPOSIS 1, ATTENUATED. Identifiers: MedGen C2713442, MONDO:0021056, OMIM 175100. Disease mechanism: loss of function.

Submissions (2):

Myriad Genetics, Inc.
Classification: Likely benign for Familial adenomatous polyposis 1. Last evaluated: 2024-02-27. Review status: criteria provided, single submitter. Criteria: Myriad Autosomal Dominant, Autosomal Recessive and X-Linked Classification Criteria (2023). Collection method: clinical testing. Allele origin: unknown.
Comment: This variant is considered likely benign. This variant is intronic and is not expected to impact mRNA splicing.

Labcorp Genetics (formerly Invitae), Labcorp
Classification: Likely benign for Familial adenomatous polyposis 1. Last evaluated: 2022-03-29. Review status: criteria provided, single submitter. Criteria: Invitae Variant Classification Sherloc (09022015). Collection method: clinical testing. Allele origin: germline.

NM_000038.6(APC):c.834+7A>G

Gene: APC (APC regulator of Wnt signaling pathway; plus strand). Cytogenetic location: 5q22.2.
Variant type: single nucleotide variant.
Coding change: c.834+7A>G on transcript NM_000038.6 (MANE Select); 7 bases into the intron after coding-DNA position 834, A replaced by G.
Molecular consequence: intron variant.
Genome position (GRCh38, 1-based): chr5:112,801,390, A>G. VCF-style: chr5-112801390-A-G. GRCh37 (hg19) VCF-style: chr5-112137087-A-G.
Other names: c.834+7A>G (NM_001354895.2, NM_001127510.3, NM_001354896.2 and 1 more transcripts); c.864+7A>G (NM_001354897.2, NM_001354902.2); c.780+7A>G (NM_001127511.3); c.759+7A>G (NM_001354898.2, NM_001354904.2); c.-202+7A>G (NM_001354906.2); c.750+7A>G (NM_001354899.2); c.657+7A>G (NM_001354900.2, NM_001354901.2, NM_001354905.2).
Identifiers: ClinVar variation 796802 (VCV000796802.11), dbSNP rs1580455618, ClinGen allele CA915943465.